The following is an entry in ClinVar:

ClinVar aggregate classification (germline): Uncertain significance. Review status: criteria provided, multiple submitters, no conflicts (2 of 4 stars). 2 submissions from 2 submitters: Uncertain significance (2). Last evaluated 2023-01-01.

Conditions:
Inborn genetic diseases. Identifiers: MedGen C0950123, MeSH D030342.

Allele frequency attached by ClinVar (database versions not stated): ExAC 0.00001.

Submissions (2):

CeGaT Center for Human Genetics Tuebingen
Classification: Uncertain significance. Last evaluated: 2023-01-01. Review status: criteria provided, single submitter. Criteria: CeGaT Center For Human Genetics Tuebingen Variant Classification Criteria Version 2. Collection method: clinical testing. Allele origin: germline. Affected: yes. Observed: 1 variant allele.
Comment: SHANK3: PP2

Ambry Genetics
Classification: Uncertain significance for Inborn genetic diseases. Last evaluated: 2018-07-16. Review status: criteria provided, single submitter. Criteria: Ambry Variant Classification Scheme 2023. Collection method: clinical testing. Allele origin: germline.
Comment: The p.R774W variant (also known as c.2320C>T), located in coding exon 20 of the SHANK3 gene, results from a C to T substitution at nucleotide position 2320. The arginine at codon 774 is replaced by tryptophan, an amino acid with dissimilar properties. This amino acid position is highly conserved in available vertebrate species. In addition, this alteration is predicted to be and deleterious by PolyPhen and SIFT in silico analyses, respectively. Since supporting evidence is limited at this time, the clinical significance of this alteration remains unclear.

NM_001372044.2(SHANK3):c.2545C>T (p.Arg849Trp)

Gene: SHANK3 (SH3 and multiple ankyrin repeat domains 3; plus strand). Cytogenetic location: 22q13.33.
Variant type: single nucleotide variant.
Coding change: c.2545C>T on transcript NM_001372044.2 (MANE Select); coding-DNA position 2545, C replaced by T.
Protein change: p.Arg849Trp; replaces arginine 849 with tryptophan.
Molecular consequence: missense variant.
Genome position (GRCh38, 1-based): chr22:50,715,723, C>T. VCF-style: chr22-50715723-C-T. GRCh37 (hg19) VCF-style: chr22-51154151-C-T.
Other names: c.2320C>T, p.Arg774Trp (NM_033517.1); short protein forms R774W, R849W.
Identifiers: ClinVar variation 1789576 (VCV001789576.26), dbSNP rs766205731, ClinGen allele CA10325887.